The following is an entry in ClinVar:

ClinVar aggregate classification (germline): Uncertain significance. Review status: criteria provided, multiple submitters, no conflicts (2 of 4 stars). 2 submissions from 2 submitters: Uncertain significance (2). Last evaluated 2025-08-07.

Conditions:
Alpha thalassemia-X-linked intellectual disability syndrome (ATRX). Also called: ALPHA-THALASSEMIA/MENTAL RETARDATION SYNDROME, X-LINKED; ATR, NONDELETION TYPE; ATR-X syndrome; Alpha thalassemia mental retardation syndrome, nondeletion type, X-linked; XLMR hypotonic face syndrome; X-linked alpha-thalassemia-mental retardation syndrome. Identifiers: Orphanet 847, MedGen C1845055, MONDO:0010519, OMIM 301040.
Inborn genetic diseases. Identifiers: MedGen C0950123, MeSH D030342.

Submissions (2):

Ambry Genetics
Classification: Uncertain significance for Inborn genetic diseases. Last evaluated: 2025-08-07. Review status: criteria provided, single submitter. Criteria: Ambry Variant Classification Scheme 2023. Collection method: clinical testing. Allele origin: germline.

Labcorp Genetics (formerly Invitae), Labcorp
Classification: Uncertain significance for Alpha thalassemia-X-linked intellectual disability syndrome. Last evaluated: 2025-01-08. Review status: criteria provided, single submitter. Criteria: Invitae Variant Classification Sherloc (09022015). Collection method: clinical testing. Allele origin: germline.
Comment: This sequence change replaces glutamic acid, which is acidic and polar, with glutamine, which is neutral and polar, at codon 687 of the ATRX protein (p.Glu687Gln). This variant is not present in population databases (gnomAD no frequency). This variant has not been reported in the literature in individuals affected with ATRX-related conditions. Invitae Evidence Modeling of protein sequence and biophysical properties (such as structural, functional, and spatial information, amino acid conservation, physicochemical variation, residue mobility, and thermodynamic stability) indicates that this missense variant is not expected to disrupt ATRX protein function with a negative predictive value of 95%. In summary, the available evidence is currently insufficient to determine the role of this variant in disease. Therefore, it has been classified as a Variant of Uncertain Significance.

NM_000489.6(ATRX):c.2059G>C (p.Glu687Gln)

Gene: ATRX (ATRX chromatin remodeler; minus strand). Cytogenetic location: Xq21.1.
Variant type: single nucleotide variant.
Coding change: c.2059G>C on transcript NM_000489.6 (MANE Select); coding-DNA position 2059, G replaced by C.
Protein change: p.Glu687Gln; replaces glutamic acid 687 with glutamine.
Molecular consequence: missense variant.
Genome position (GRCh38, 1-based): chrX:77,683,197, C>G on the plus strand (G>C on the coding strand, the complement: ATRX is on the minus strand). VCF-style: chrX-77683197-C-G. GRCh37 (hg19) VCF-style: chrX-76938689-C-G.
Other names: c.1945G>C, p.Glu649Gln (NM_138270.5); c.2059G>C (NM_000489.3); short protein forms E687Q, E649Q.
Identifiers: ClinVar variation 3719875 (VCV003719875.3).